The following is an entry in ClinVar:

NM_020366.4(RPGRIP1):c.808A>G (p.Ile270Val)

Gene: RPGRIP1 (RPGR interacting protein 1; plus strand). Cytogenetic location: 14q11.2.
Variant type: single nucleotide variant.
Coding change: c.808A>G on transcript NM_020366.4 (MANE Select); coding-DNA position 808, A replaced by G.
Protein change: p.Ile270Val; replaces isoleucine 270 with valine.
Molecular consequence: missense variant.
Genome position (GRCh38, 1-based): chr14:21,307,738, A>G. VCF-style: chr14-21307738-A-G. GRCh37 (hg19) VCF-style: chr14-21775897-A-G.
Other names: short protein forms I270V.
Identifiers: ClinVar variation 221937 (VCV000221937.26), dbSNP rs372615343, ClinGen allele CA071653.

ClinVar aggregate classification (germline): Conflicting classifications of pathogenicity. Review status: criteria provided, conflicting classifications (1 of 4 stars). 8 submissions from 7 submitters: Uncertain significance (4); Likely benign (3). 1 of the submissions does not count toward it. Last evaluated 2026-01-24.

Conditions:
Leber congenital amaurosis 6 (LCA6). Identifiers: Orphanet 65, MedGen C1854260, MONDO:0013446, OMIM 613826.
Cone-rod dystrophy 13 (CORD13). Identifiers: Orphanet 1872, MedGen C2750720, MONDO:0011987, OMIM 608194.
RPGRIP1-related disorder. Also called: RPGRIP1-related condition.
Anophthalmia-microphthalmia syndrome. Also called: Anophthalmia - microphthalmia; Anophthalmia/Microphthalmia. Identifiers: Orphanet 98555, MedGen C5680330, MONDO:0020147.

Allele frequency attached by ClinVar (database versions not stated): ExAC 0.00028; 1000 Genomes Project 30x 0.00047; ESP Exome Variant Server 0.00051; 1000 Genomes Project 0.00060; gnomAD 0.00076 and 0.00084; TOPMed 0.00079.
gnomAD v4.1: 216 of 1,557,168 alleles (0.014%); highest among the groups gnomAD compares: African/African-American, 0.24%; no homozygotes.

Submissions (8):

Labcorp Genetics (formerly Invitae), Labcorp
Classification: Likely benign for Leber congenital amaurosis 6; Cone-rod dystrophy 13. Last evaluated: 2026-01-24. Review status: criteria provided, single submitter. Criteria: Invitae Variant Classification Sherloc (09022015). Collection method: clinical testing. Allele origin: germline.

Blueprint Genetics
Classification: Likely benign. Last evaluated: 2023-07-17. Review status: criteria provided, single submitter. Criteria: ACMG Guidelines, 2015. Collection method: clinical testing. Allele origin: germline.

Genome-Nilou Lab
Classification: Uncertain significance for Leber congenital amaurosis 6. Last evaluated: 2021-11-07. Review status: criteria provided, single submitter. Criteria: ACMG Guidelines, 2015. Collection method: clinical testing. Allele origin: germline. Affected: no.

Genome-Nilou Lab
Classification: Uncertain significance for Cone-rod dystrophy 13. Last evaluated: 2021-11-07. Review status: criteria provided, single submitter. Criteria: ACMG Guidelines, 2015. Collection method: clinical testing. Allele origin: germline. Affected: no.

ARUP Laboratories, Molecular Genetics and Genomics, ARUP Laboratories
Classification: Uncertain significance. Last evaluated: 2018-12-12. Review status: criteria provided, single submitter. Criteria: ARUP Molecular Germline Variant Investigation Process. Collection method: clinical testing. Allele origin: germline.
Comment: The RPGRIP1 c.808A>G; p.Ile270Val variant (rs372615343) is reported in the medical literature in an individual with an ocular development anomaly, but was not determined to be causative (Chassaing 2016). The variant is reported in the ClinVar database (Variation ID: 221937) and in the general population in 50 out of 205878 alleles. The amino acid at this position is moderately conserved across species but computational analyses (SIFT: Tolerated, PolyPhen-2: Probably Damaging) predict conflicting effects of this variant on protein structure/function. Considering available information, the clinical significance of this variant cannot be determined with certainty. References: Chassaing N et al. Targeted resequencing identifies PTCH1 as a major contributor to ocular developmental anomalies and extends the SOX2 regulatory network. Genome Res. 2016 Apr;26(4):474-85.

Eurofins Ntd Llc (ga)
Classification: Uncertain significance. Last evaluated: 2016-04-14. Review status: criteria provided, single submitter. Criteria: EGL Classification Definitions 2015. Collection method: clinical testing. Allele origin: germline. Observed: 1 variant allele, 1 heterozygote.

Paul Sabatier University EA-4555, Paul Sabatier University
Classification: Likely benign. Last evaluated: 2013-01-01. Review status: criteria provided, single submitter. Criteria: Chassaing et al. (Genome Res. 2016). Collection method: clinical testing. Allele origin: unknown. Affected: yes. Observed: 1 heterozygote.

PreventionGenetics, part of Exact Sciences
Classification: Likely benign for RPGRIP1-related condition. Last evaluated: 2022-05-25. Review status: no assertion criteria provided. Collection method: clinical testing. Allele origin: germline. Not counted in ClinVar's aggregate classification.
Comment: This variant is classified as likely benign based on ACMG/AMP sequence variant interpretation guidelines (Richards et al. 2015 PMID: 25741868, with internal and published modifications).